The following is an entry in ClinVar:

NM_000702.4(ATP1A2):c.1474G>A (p.Glu492Lys)

Gene: ATP1A2 (ATPase Na+/K+ transporting subunit alpha 2; plus strand). Cytogenetic location: 1q23.2.
Variant type: single nucleotide variant.
Coding change: c.1474G>A on transcript NM_000702.4 (MANE Select); coding-DNA position 1474, G replaced by A.
Protein change: p.Glu492Lys; replaces glutamic acid 492 with lysine.
Molecular consequence: missense variant.
Genome position (GRCh38, 1-based): chr1:160,130,114, G>A. VCF-style: chr1-160130114-G-A. GRCh37 (hg19) VCF-style: chr1-160099904-G-A.
Other names: p.E492K:GAG>AAG; p.Glu492Lys; short protein forms E492K.
Identifiers: ClinVar variation 204888 (VCV000204888.75), dbSNP rs142348542, ClinGen allele CA313283.

ClinVar aggregate classification (germline): Conflicting classifications of pathogenicity. Review status: criteria provided, conflicting classifications (1 of 4 stars). 13 submissions from 12 submitters: Uncertain significance (5); Benign (2); Likely benign (5). 1 of the submissions does not count toward it. Last evaluated 2026-10-22.

Conditions:
ATP1A2-related disorder. Also called: ATP1A2-RELATED DISORDERS; ATP1A2-related condition.
Inborn genetic diseases. Identifiers: MedGen C0950123, MeSH D030342.
Familial hemiplegic migraine. Identifiers: MedGen C0338484, MONDO:0000700.
Migraine, familial hemiplegic, 2. Identifiers: Orphanet 569, MedGen C1865322, MONDO:0011232, OMIM 602481.
Alternating hemiplegia of childhood 1 (AHC1). Identifiers: Orphanet 2131, MedGen C3549447, MONDO:0007087, OMIM 104290.

Allele frequency attached by ClinVar (database versions not stated): 1000 Genomes Project 30x 0.00031; 1000 Genomes Project 0.00040; ExAC 0.00044; gnomAD exomes 0.00044 and 0.00071; gnomAD 0.00052 and 0.00055; ESP Exome Variant Server 0.00062; TOPMed 0.00068.
gnomAD v4.1: 1,110 of 1,614,204 alleles (0.069%); highest among the groups gnomAD compares: Non-Finnish European, 0.087%; 2 homozygotes.

Submissions (13):

GeneDx
Classification: Uncertain significance. Last evaluated: 2026-10-22. Review status: criteria provided, single submitter. Criteria: GeneDx Variant Classification Process June 2021. Collection method: clinical testing. Allele origin: germline.
Comment: Reported in both affected individuals and healthy controls in a case-control study of patients with migraines (PMID: 36044383); Published in vitro functional studies suggest this variant results in partial loss of function due to reduced cell survival when transfected into HeLa cells (PMID: 18056581); In silico analysis suggests that this missense variant does not alter protein structure/function; This variant is associated with the following publications: (PMID: 18957371, 34426522, 35982159, 18184292, 37234784, 33057194, 18056581, 36044383, 36350923, 27957625, 35478072, 31440721, 26537360, 39283294)

Labcorp Genetics (formerly Invitae), Labcorp
Classification: Benign for Familial hemiplegic migraine. Last evaluated: 2026-01-28. Review status: criteria provided, single submitter. Criteria: Invitae Variant Classification Sherloc (09022015). Collection method: clinical testing. Allele origin: germline.

Women's Health and Genetics/Laboratory Corporation of America, LabCorp
Classification: Likely benign. Last evaluated: 2025-09-03. Review status: criteria provided, single submitter. Criteria: LabCorp Variant Classification Summary - May 2015. Collection method: clinical testing. Allele origin: germline.
Comment: Variant summary: ATP1A2 c.1474G>A (p.Glu492Lys) results in a conservative amino acid change located in the P-type ATPase, haloacid dehalogenase domain (IPR044492) of the encoded protein sequence. Algorithms developed to predict the effect of missense changes on protein structure and function are either unavailable or do not agree on the potential impact of this missense change. The variant allele was found at a frequency of 0.00069 in 1607230 control chromosomes, predominantly at a frequency of 0.00087 within the Non-Finnish European subpopulation in the gnomAD database, including 2 homozygotes. The occurrence in several carriers suggests that this variant is likely not associated with a high penetrance, severe, early onset disease phenotype in heterozygous state. The variant, c.1474G>A, has been observed in an individual affected with hemiplegic migraine, however on of the parents also carried the variant, and was affected with migraines, but no hemiplegic attacks (De Vries_2007). Authors of this study also reported experimental evidence evaluating an impact on protein function, and demonstrated a decrease in function, however this change was milder than what they found for other known pathogenic variants (De Vries_2007), therefore these results do not allow convincing conclusions about the variant effect. In addition, the variant was reported in both individuals affected with migraines and healthy controls in a large case-control study, and the variant showed no statistically significant enrichment in patients (Markel_2022). The following publications have been ascertained in the context of this evaluation (PMID: 18056581, 36044383). ClinVar contains an entry for this variant (Variation ID: 204888). Based on the evidence outlined above, the variant was classified as likely benign.

Athena Diagnostics
Classification: Benign. Last evaluated: 2025-07-18. Review status: criteria provided, single submitter. Criteria: Athena Diagnostics Criteria. Collection method: clinical testing. Allele origin: unknown.
Comment: The frequency of this variant in the general population is higher than would generally be expected for pathogenic variants in this gene. Assessment of experimental evidence regarding the effect of this variant on protein function is inconclusive.

CeGaT Center for Human Genetics Tuebingen
Classification: Uncertain significance. Last evaluated: 2024-01-01. Review status: criteria provided, single submitter. Criteria: CeGaT Center For Human Genetics Tuebingen Variant Classification Criteria Version 2. Collection method: clinical testing. Allele origin: germline. Affected: yes. Observed: 7 variant alleles.

Mendelics
Classification: Likely benign. Last evaluated: 2022-05-04. Review status: criteria provided, single submitter. Criteria: Mendelics Assertion Criteria 2019. Collection method: clinical testing. Allele origin: germline.

Mayo Clinic Laboratories, Mayo Clinic
Classification: Uncertain significance. Last evaluated: 2021-06-29. Review status: criteria provided, single submitter. Criteria: ACMG Guidelines, 2015. Collection method: clinical testing. Allele origin: germline.

Revvity Omics, Revvity
Classification: Uncertain significance. Last evaluated: 2020-04-29. Review status: criteria provided, single submitter. Criteria: ACMG Guidelines, 2015. Collection method: clinical testing. Allele origin: germline.

Ambry Genetics
Classification: Likely benign for Inborn genetic diseases. Last evaluated: 2018-01-23. Review status: criteria provided, single submitter. Criteria: Ambry Variant Classification Scheme 2023. Collection method: clinical testing. Allele origin: germline.

Illumina Laboratory Services, Illumina
Classification: Likely benign for Alternating hemiplegia of childhood 1. Last evaluated: 2017-04-27. Review status: criteria provided, single submitter. Criteria: ICSL Variant Classification Criteria 13 December 2019. Collection method: clinical testing. Allele origin: germline.
Comment: This variant was observed as part of a predisposition screen in an ostensibly healthy population. A literature search was performed for the gene, cDNA change, and amino acid change (where applicable). No publications were found based on this search. Allele frequency data from public databases allowed determination this variant is unlikely to cause disease. Therefore, this variant is classified as likely benign.

Illumina Laboratory Services, Illumina
Classification: Likely benign for Migraine, familial hemiplegic, 2. Last evaluated: 2017-04-27. Review status: criteria provided, single submitter. Criteria: ICSL Variant Classification Criteria 13 December 2019. Collection method: clinical testing. Allele origin: germline.
Comment: This variant was observed as part of a predisposition screen in an ostensibly healthy population. A literature search was performed for the gene, cDNA change, and amino acid change (where applicable). Publications were found based on this search. The evidence from the literature, in combination with allele frequency data from public databases where available, was sufficient to determine this variant is unlikely to cause disease. Therefore, this variant is classified as likely benign.

Eurofins Ntd Llc (ga)
Classification: Uncertain significance. Last evaluated: 2017-04-13. Review status: criteria provided, single submitter. Criteria: EGL Classification Definitions 2015. Collection method: clinical testing. Allele origin: germline. Observed: 1 variant allele, 1 heterozygote.

PreventionGenetics, part of Exact Sciences
Classification: Uncertain significance for ATP1A2-related condition. Last evaluated: 2024-05-08. Review status: no assertion criteria provided. Collection method: clinical testing. Allele origin: germline. Not counted in ClinVar's aggregate classification.
Comment: The ATP1A2 c.1474G>A variant is predicted to result in the amino acid substitution p.Glu492Lys. In vitro studies indicated that this variant may partially impact protein function (de Vries et al. 2007. PubMed ID: 18056581). However, this variant is reported on 0.081% of alleles in individuals of European (Non-Finnish) descent in gnomAD, which is significantly more common than any established pathogenic variant in this gene. Additionally, this variant was not statistically more prevalent in affected individuals compared to presumably asymptomatic controls (Markel et al. 2022. PubMed ID: 36044383). Although we suspect c.1474G>A (p.Glu492Lys) may be benign, the clinical significance of this variant is currently classified as uncertain due to the absence of conclusive functional and genetic evidence.

Literature cited by the submitters: PubMed 18056581 (cited by 4 submitters); PubMed 36044383 (cited by Women's Health and Genetics/Laboratory Corporation of America, LabCorp and Athena Diagnostics); PubMed 18957371 (cited by Athena Diagnostics and Illumina Laboratory Services, Illumina); PubMed 36350923 (cited by Athena Diagnostics); PubMed 26537360 (cited by Athena Diagnostics); PubMed 35478072 (cited by Athena Diagnostics); PubMed 31440721 (cited by Athena Diagnostics); PubMed 39283294 (cited by Athena Diagnostics); PubMed 27957625 (cited by Athena Diagnostics).